The following is an entry in ClinVar:

NM_000313.4(PROS1):c.1044G>A (p.Ala348=)

Gene: PROS1 (protein S; minus strand). Cytogenetic location: 3q11.1.
Variant type: single nucleotide variant.
Coding change: c.1044G>A on transcript NM_000313.4 (MANE Select); coding-DNA position 1044, G replaced by A.
Protein change: p.Ala348=; no amino-acid change (alanine 348 retained).
Molecular consequence: synonymous variant.
Genome position (GRCh38, 1-based): chr3:93,893,044, C>T on the plus strand (G>A on the coding strand, the complement: PROS1 is on the minus strand). VCF-style: chr3-93893044-C-T. GRCh37 (hg19) VCF-style: chr3-93611888-C-T.
Other names: c.1140G>A, p.Ala380= (NM_001314077.2); c.1044G>A (NM_000313.3).
Identifiers: ClinVar variation 1100971 (VCV001100971.10), dbSNP rs375245889, ClinGen allele CA2503283.

ClinVar aggregate classification (germline): Likely benign. Review status: criteria provided, multiple submitters, no conflicts (2 of 4 stars). 3 submissions from 3 submitters: Likely benign (2). 1 of the submissions does not count toward it. Last evaluated 2025-10-26.

Conditions:
PROS1-related disorder. Also called: PROS1-related condition.
Thrombophilia due to protein S deficiency, autosomal recessive (THPH6). Identifiers: Orphanet 743, MedGen C3281092, MONDO:0013791, OMIM 614514. Disease mechanism: loss of function.

Allele frequency attached by ClinVar (database versions not stated): gnomAD 0.00002 and 0.00003; TOPMed 0.00004; ExAC 0.00005; gnomAD exomes 0.00005 and 0.00007; ESP Exome Variant Server 0.00008.
gnomAD v4.1: 105 of 1,613,838 alleles (0.0065%); highest among the groups gnomAD compares: Middle Eastern, 0.033%; no homozygotes.

Submissions (3):

Labcorp Genetics (formerly Invitae), Labcorp
Classification: Likely benign for Thrombophilia due to protein S deficiency, autosomal recessive. Last evaluated: 2025-10-26. Review status: criteria provided, single submitter. Criteria: Invitae Variant Classification Sherloc (09022015). Collection method: clinical testing. Allele origin: germline.

Breakthrough Genomics
Classification: Likely benign. Review status: criteria provided, single submitter. Criteria: ACMG Guidelines, 2015. Collection method: not provided. Allele origin: germline. Inheritance: Autosomal recessive inheritance. Affected: yes.

PreventionGenetics, part of Exact Sciences
Classification: Likely benign for PROS1-related condition. Last evaluated: 2024-06-29. Review status: no assertion criteria provided. Collection method: clinical testing. Allele origin: germline. Not counted in ClinVar's aggregate classification.
Comment: This variant is classified as likely benign based on ACMG/AMP sequence variant interpretation guidelines (Richards et al. 2015 PMID: 25741868, with internal and published modifications).